The following is an entry in ClinVar:

ClinVar aggregate classification (germline): Likely benign. Review status: criteria provided, multiple submitters, no conflicts (2 of 4 stars). 4 submissions from 4 submitters: Likely benign (4). Last evaluated 2026-01-19.

Conditions:
POLR3A-related disorder. Also called: POLR3A-related disorders; POLR3A-related condition. Identifiers: MedGen CN378587, MONDO:0700276.

gnomAD v4.1: 133 of 1,614,062 alleles (0.0082%); highest among the groups gnomAD compares: Admixed American, 0.018%; no homozygotes.

Submissions (4):

Labcorp Genetics (formerly Invitae), Labcorp
Classification: Likely benign. Last evaluated: 2026-01-19. Review status: criteria provided, single submitter. Criteria: Invitae Variant Classification Sherloc (09022015). Collection method: clinical testing. Allele origin: germline.

PreventionGenetics, part of Exact Sciences
Classification: Likely benign for POLR3A-related condition. Last evaluated: 2025-09-10. Review status: criteria provided, single submitter. Criteria: ACMG Guidelines, 2015. Collection method: clinical testing. Allele origin: germline.
Comment: This variant is classified as likely benign based on ACMG/AMP sequence variant interpretation guidelines (Richards et al. 2015 PMID: 25741868, with internal and published modifications).

Blueprint Genetics
Classification: Likely benign. Last evaluated: 2023-03-09. Review status: criteria provided, single submitter. Criteria: ACMG Guidelines, 2015. Collection method: clinical testing. Allele origin: germline.

CeGaT Center for Human Genetics Tuebingen
Classification: Likely benign. Last evaluated: 2022-09-01. Review status: criteria provided, single submitter. Criteria: CeGaT Center For Human Genetics Tuebingen Variant Classification Criteria Version 2. Collection method: clinical testing. Allele origin: germline. Affected: yes. Observed: 1 variant allele.
Comment: POLR3A: BP4, BP7

NM_007055.4(POLR3A):c.1401G>A (p.Ser467=)

Gene: POLR3A (RNA polymerase III subunit A; minus strand). Cytogenetic location: 10q22.3.
Variant type: single nucleotide variant.
Coding change: c.1401G>A on transcript NM_007055.4 (MANE Select); coding-DNA position 1401, G replaced by A.
Protein change: p.Ser467=; no amino-acid change (serine 467 retained).
Molecular consequence: synonymous variant.
Genome position (GRCh38, 1-based): chr10:78,017,605, C>T on the plus strand (G>A on the coding strand, the complement: POLR3A is on the minus strand). VCF-style: chr10-78017605-C-T. GRCh37 (hg19) VCF-style: chr10-79777363-C-T.
Other names: c.1401G>A (NM_007055.3).
Identifiers: ClinVar variation 1659922 (VCV001659922.34), dbSNP rs142659442, ClinGen allele CA5571456.